The following is an entry in ClinVar:

NM_000179.3(MSH6):c.845_848dup (p.Asp284fs)

Gene: MSH6 (mutS homolog 6; plus strand). Cytogenetic location: 2p16.3.
Variant type: Duplication.
Coding change: c.845_848dup on transcript NM_000179.3 (MANE Select); coding-DNA positions 845 to 848, 4 bases duplicated (TGGG; older notation c.845_848dupTGGG).
Protein change: p.Asp284fs; shifts the reading frame from aspartic acid 284.
Molecular consequence: frameshift variant. On other transcripts: 5 prime UTR variant (9), non-coding transcript variant (4), intron variant (1).
Genome position (GRCh38, 1-based): chr2:47,798,828-47,798,831, TGGG duplicated; duplicating any 4 consecutive bases within chr2:47,798,827-47,798,831 gives the same sequence; the c. name uses the placement nearest the transcript's 3' end. VCF-style (leftmost placement, unchanged base first): chr2-47798826-A-AGTGG. GRCh37 (hg19) VCF-style: chr2-48025965-A-AGTGG.
Other names: c.845_848dup, p.Asp284fs (NM_001406809.1, NM_001406817.1, NM_001406796.1 and 4 more transcripts); c.-62_-59dup (NM_001406811.1, NM_001406812.1, NM_001406814.1 and 6 more transcripts); c.851_854dup, p.Asp286fs (NM_001406813.1); c.548_551dup, p.Asp185fs (NM_001406818.1, NM_001406819.1, NM_001406820.1 and 10 more transcripts); c.677_680dup, p.Asp228fs (NM_001406826.1); c.628-1838_628-1835dup (NM_001407362.1); c.455_458dup, p.Asp154fs (NM_001281492.2); c.941_944dup, p.Asp316fs (NM_001406795.1, NM_001406802.1); and 2 more; short protein forms D109fs, D154fs, D185fs, D228fs, D258fs, D284fs, D286fs, D316fs.
Identifiers: ClinVar variation 2673708 (VCV002673708.5), dbSNP rs2530574144, ClinGen allele CA2695200504.

ClinVar aggregate classification (germline): Pathogenic/Likely pathogenic. Review status: criteria provided, multiple submitters, no conflicts (2 of 4 stars). 3 submissions from 3 submitters: Pathogenic (2); Likely pathogenic (1). Last evaluated 2024-02-16.

Conditions:
Lynch syndrome 5 (LYNCH5). Also called: Hereditary non-polyposis colorectal cancer, type 5; Colorectal cancer, hereditary nonpolyposis, type 5. Identifiers: Orphanet 144, MedGen C1833477, MONDO:0013710, OMIM 614350. Disease mechanism: loss of function.
Hereditary nonpolyposis colorectal neoplasms. Identifiers: MedGen C0009405, MeSH D003123.
Endometrial carcinoma. Also called: Endometrial carcinoma, somatic. Identifiers: MedGen C0476089, MONDO:0002447, OMIM 608089, HP:0012114.

Submissions (3):

Labcorp Genetics (formerly Invitae), Labcorp
Classification: Pathogenic for Hereditary nonpolyposis colorectal neoplasms. Last evaluated: 2024-02-16. Review status: criteria provided, single submitter. Criteria: Invitae Variant Classification Sherloc (09022015). Collection method: clinical testing. Allele origin: germline.
Comment: This sequence change creates a premature translational stop signal (p.Asp284Glyfs*3) in the MSH6 gene. It is expected to result in an absent or disrupted protein product. Loss-of-function variants in MSH6 are known to be pathogenic (PMID: 18269114, 24362816). This variant is not present in population databases (gnomAD no frequency). This variant has not been reported in the literature in individuals affected with MSH6-related conditions. For these reasons, this variant has been classified as Pathogenic.

Myriad Genetics, Inc.
Classification: Pathogenic for Lynch syndrome 5. Last evaluated: 2023-08-11. Review status: criteria provided, single submitter. Criteria: Myriad Autosomal Dominant, Autosomal Recessive and X-Linked Classification Criteria (2023). Collection method: clinical testing. Allele origin: unknown.
Comment: This variant is considered pathogenic. This variant creates a frameshift predicted to result in premature protein truncation.

Baylor Genetics
Classification: Likely pathogenic for Endometrial carcinoma. Last evaluated: 2022-05-27. Review status: criteria provided, single submitter. Criteria: ACMG Guidelines, 2015. Collection method: clinical testing. Allele origin: unknown.

Literature cited by the submitters: PubMed 18269114 (cited by Labcorp Genetics (formerly Invitae), Labcorp); PubMed 24362816 (cited by Labcorp Genetics (formerly Invitae), Labcorp).